The following is an entry in ClinVar:

NM_198253.3(TERT):c.1676C>G (p.Ser559Cys)

Gene: TERT (telomerase reverse transcriptase; minus strand). Cytogenetic location: 5p15.33.
Variant type: single nucleotide variant.
Coding change: c.1676C>G on transcript NM_198253.3 (MANE Select); coding-DNA position 1676, C replaced by G.
Protein change: p.Ser559Cys; replaces serine 559 with cysteine.
Molecular consequence: missense variant. On other transcripts: non-coding transcript variant (2).
Genome position (GRCh38, 1-based): chr5:1,282,522, G>C on the plus strand (C>G on the coding strand, the complement: TERT is on the minus strand). VCF-style: chr5-1282522-G-C. GRCh37 (hg19) VCF-style: chr5-1282637-G-C.
Other names: c.1676C>G, p.Ser559Cys (NM_001193376.3); short protein forms S559C.
Identifiers: ClinVar variation 636733 (VCV000636733.10), dbSNP rs1579580077, ClinGen allele CA359083111.

ClinVar aggregate classification (germline): Uncertain significance. Review status: criteria provided, multiple submitters, no conflicts (2 of 4 stars). 3 submissions from 3 submitters: Uncertain significance (3). Last evaluated 2025-07-23.

Conditions:
Dyskeratosis congenita. Identifiers: Orphanet 1775, MedGen C0265965, MONDO:0015780.
Idiopathic Pulmonary Fibrosis. Also called: Idiopathic fibrosing alveolitis, chronic form; idiopathic fibrosing alveolitis. Identifiers: Orphanet 2032, MedGen C1800706, MeSH D054990, MONDO:0800504.
Dyskeratosis congenita, autosomal dominant 2. Identifiers: MedGen C3151443, MONDO:0013521, OMIM 613989.

Allele frequency attached by ClinVar (database versions not stated): gnomAD exomes below 0.00001.

Submissions (3):

Ambry Genetics
Classification: Uncertain significance for Dyskeratosis congenita. Last evaluated: 2025-07-23. Review status: criteria provided, single submitter. Criteria: Ambry Variant Classification Scheme 2023. Collection method: clinical testing. Allele origin: germline.
Comment: The p.S559C variant (also known as c.1676C>G), located in coding exon 3 of the TERT gene, results from a C to G substitution at nucleotide position 1676. The serine at codon 559 is replaced by cysteine, an amino acid with dissimilar properties. This amino acid position is not well conserved in available vertebrate species. In addition, the in silico prediction for this alteration is inconclusive. Based on the available evidence, the clinical significance of this variant remains unclear.

Labcorp Genetics (formerly Invitae), Labcorp
Classification: Uncertain significance for Dyskeratosis congenita, autosomal dominant 2; Idiopathic Pulmonary Fibrosis. Last evaluated: 2024-07-30. Review status: criteria provided, single submitter. Criteria: Invitae Variant Classification Sherloc (09022015). Collection method: clinical testing. Allele origin: germline.
Comment: This sequence change replaces serine, which is neutral and polar, with cysteine, which is neutral and slightly polar, at codon 559 of the TERT protein (p.Ser559Cys). This variant is not present in population databases (gnomAD no frequency). This variant has not been reported in the literature in individuals affected with TERT-related conditions. ClinVar contains an entry for this variant (Variation ID: 636733). Advanced modeling of protein sequence and biophysical properties (such as structural, functional, and spatial information, amino acid conservation, physicochemical variation, residue mobility, and thermodynamic stability) performed at Invitae indicates that this missense variant is expected to disrupt TERT protein function with a positive predictive value of 95%. In summary, the available evidence is currently insufficient to determine the role of this variant in disease. Therefore, it has been classified as a Variant of Uncertain Significance.

Blueprint Genetics
Classification: Uncertain significance. Last evaluated: 2018-08-03. Review status: criteria provided, single submitter. Criteria: ACMG Guidelines, 2015. Collection method: clinical testing. Allele origin: germline.